The following is an entry in ClinVar:

NM_005458.8(GABBR2):c.2318C>T (p.Thr773Met)

Gene: GABBR2 (gamma-aminobutyric acid type B receptor subunit 2; minus strand). Cytogenetic location: 9q22.33.
Variant type: single nucleotide variant.
Coding change: c.2318C>T on transcript NM_005458.8 (MANE Select); coding-DNA position 2318, C replaced by T.
Protein change: p.Thr773Met; replaces threonine 773 with methionine.
Molecular consequence: missense variant.
Genome position (GRCh38, 1-based): chr9:98,303,335, G>A on the plus strand (C>T on the coding strand, the complement: GABBR2 is on the minus strand). VCF-style: chr9-98303335-G-A. GRCh37 (hg19) VCF-style: chr9-101065617-G-A.
Other names: short protein forms T773M.
Identifiers: ClinVar variation 1248924 (VCV001248924.12), dbSNP rs138346207, ClinGen allele CA5152489.

ClinVar aggregate classification (germline): Benign/Likely benign. Review status: criteria provided, multiple submitters, no conflicts (2 of 4 stars). 3 submissions from 3 submitters: Benign (1); Likely benign (1). 1 of the submissions does not count toward it. Last evaluated 2025-06-23.

Conditions:
GABBR2-related disorder. Also called: GABBR2-related disorders; GABBR2-related condition.
Epileptic encephalopathy. Identifiers: MedGen C0543888, HP:0200134.

Allele frequency attached by ClinVar (database versions not stated): ExAC 0.00013; gnomAD exomes 0.00024 and 0.00014; 1000 Genomes Project 0.00060; ESP Exome Variant Server 0.00008; 1000 Genomes Project 30x 0.00047.
gnomAD v4.1: 362 of 1,614,006 alleles (0.022%); highest among the groups gnomAD compares: East Asian, 0.73%; 2 homozygotes.

Submissions (3):

Labcorp Genetics (formerly Invitae), Labcorp
Classification: Likely benign for Epileptic encephalopathy. Last evaluated: 2025-06-23. Review status: criteria provided, single submitter. Criteria: Invitae Variant Classification Sherloc (09022015). Collection method: clinical testing. Allele origin: germline.

GeneDx
Classification: Benign. Last evaluated: 2020-05-29. Review status: criteria provided, single submitter. Criteria: GeneDx Variant Classification Process June 2021. Collection method: clinical testing. Allele origin: germline. Affected: yes.

PreventionGenetics, part of Exact Sciences
Classification: Likely benign for GABBR2-related condition. Last evaluated: 2023-02-20. Review status: no assertion criteria provided. Collection method: clinical testing. Allele origin: germline. Not counted in ClinVar's aggregate classification.
Comment: This variant is classified as likely benign based on ACMG/AMP sequence variant interpretation guidelines (Richards et al. 2015 PMID: 25741868, with internal and published modifications).